The following is an entry in ClinVar:

NM_015978.3(TNNI3K):c.2078C>G (p.Pro693Arg)

Genes: FPGT-TNNI3K (FPGT-TNNI3K readthrough; plus strand), TNNI3K (TNNI3 interacting kinase; plus strand). Cytogenetic location: 1p31.1.
Variant type: single nucleotide variant.
Coding change: c.2078C>G on transcript NM_015978.3 (MANE Select); coding-DNA position 2078, C replaced by G.
Protein change: p.Pro693Arg; replaces proline 693 with arginine.
Molecular consequence: missense variant.
Genome position (GRCh38, 1-based): chr1:74,463,507, C>G. VCF-style: chr1-74463507-C-G. GRCh37 (hg19) VCF-style: chr1-74929191-C-G.
Other names: c.2381C>G, p.Pro794Arg (NM_001112808.3, NM_001199327.2); short protein forms P794R, P693R.
Identifiers: ClinVar variation 1391945 (VCV001391945.6), dbSNP rs756501807, ClinGen allele CA909584.
Genomic context (GRCh38, chr1:74,463,507, plus strand): 5'-CGGCAGCAGACATGGCTTACCACCACATCAGACCTCCCATTGGCTATTCCATTCCCAAGC[C>G]CATATCATCTCTGCTGATACGAGGGTGGAACGCATGTCCTGAAGTGAGTAATTTTTATTT-3'
Protein context (NP_057062.1, residues 683-703): RPPIGYSIPK[Pro693Arg]ISSLLIRGWN

ClinVar aggregate classification (germline): Uncertain significance (1 of 4 stars; one submission).

Allele frequency attached by ClinVar (database versions not stated): gnomAD exomes below 0.00001; TOPMed below 0.00001; ExAC 0.00001; gnomAD 0.00001.
gnomAD v4.1: 3 of 1,614,016 alleles (0.00019%); highest among the groups gnomAD compares: South Asian, 0.0011%; no homozygotes.

Submission:

Labcorp Genetics (formerly Invitae), Labcorp
Classification: Uncertain significance. Last evaluated: 2021-11-07. Review status: criteria provided, single submitter. Criteria: Invitae Variant Classification Sherloc (09022015). Collection method: clinical testing. Allele origin: germline.
Comment: This sequence change replaces proline, which is neutral and non-polar, with arginine, which is basic and polar, at codon 693 of the TNNI3K protein (p.Pro693Arg). This variant is present in population databases (rs756501807, gnomAD 0.003%). This variant has not been reported in the literature in individuals affected with TNNI3K-related conditions. Algorithms developed to predict the effect of missense changes on protein structure and function (SIFT, PolyPhen-2, Align-GVGD) all suggest that this variant is likely to be disruptive. In summary, the available evidence is currently insufficient to determine the role of this variant in disease. Therefore, it has been classified as a Variant of Uncertain Significance.